The following is an entry in ClinVar:

ClinVar aggregate classification (germline): Uncertain significance (1 of 4 stars; one submission).

Conditions:
Inborn genetic diseases. Identifiers: MedGen C0950123, MeSH D030342.

Submission:

Ambry Genetics
Classification: Uncertain significance for Inborn genetic diseases. Last evaluated: 2025-05-23. Review status: criteria provided, single submitter. Criteria: Ambry Variant Classification Scheme 2023. Collection method: clinical testing. Allele origin: germline.
Comment: The p.A789T variant (also known as c.2365G>A), located in coding exon 25 of the RTEL1 gene, results from a G to A substitution at nucleotide position 2365. The alanine at codon 789 is replaced by threonine, an amino acid with similar properties. This amino acid position is conserved. In addition, this alteration is predicted to be tolerated by in silico analysis. Based on the available evidence, the clinical significance of this variant remains unclear.

NM_001283009.2(RTEL1):c.2365G>A (p.Ala789Thr)

Genes: RTEL1 (regulator of telomere elongation helicase 1; plus strand), RTEL1-TNFRSF6B (RTEL1-TNFRSF6B readthrough (NMD candidate); plus strand). Cytogenetic location: 20q13.33.
Variant type: single nucleotide variant.
Coding change: c.2365G>A on transcript NM_001283009.2 (MANE Select); coding-DNA position 2365, G replaced by A.
Protein change: p.Ala789Thr; replaces alanine 789 with threonine.
Molecular consequence: missense variant. On other transcripts: non-coding transcript variant (1).
Genome position (GRCh38, 1-based): chr20:63,690,393, G>A. VCF-style: chr20-63690393-G-A. GRCh37 (hg19) VCF-style: chr20-62321746-G-A.
Other names: c.1696G>A, p.Ala566Thr (NM_001283010.1); c.2365G>A, p.Ala789Thr (NM_016434.4); c.2437G>A, p.Ala813Thr (NM_032957.5); short protein forms A566T, A789T, A813T.
Identifiers: ClinVar variation 3948414 (VCV003948414.1).